The following is an entry in ClinVar:

NM_001035.3(RYR2):c.3397C>T (p.Arg1133Cys)

Gene: RYR2 (ryanodine receptor 2; plus strand). Cytogenetic location: 1q43.
Variant type: single nucleotide variant.
Coding change: c.3397C>T on transcript NM_001035.3 (MANE Select); coding-DNA position 3397, C replaced by T.
Protein change: p.Arg1133Cys; replaces arginine 1133 with cysteine.
Molecular consequence: missense variant.
Genome position (GRCh38, 1-based): chr1:237,566,749, C>T. VCF-style: chr1-237566749-C-T. GRCh37 (hg19) VCF-style: chr1-237730049-C-T.
Other names: c.3397C>T, p.Arg1133Cys (LRG_402t1); short protein forms R1133C.
Identifiers: ClinVar variation 532325 (VCV000532325.16), dbSNP rs748085424, ClinGen allele CA086361.

ClinVar aggregate classification (germline): Conflicting classifications of pathogenicity. Review status: criteria provided, conflicting classifications (1 of 4 stars). 5 submissions from 5 submitters: Uncertain significance (3); Likely benign (2). Last evaluated 2025-08-27.

Conditions:
Catecholaminergic polymorphic ventricular tachycardia 1. Also called: VENTRICULAR TACHYCARDIA, STRESS-INDUCED POLYMORPHIC 1; RYR2-Related Catecholaminergic Polymorphic Ventricular Tachycardia; VENTRICULAR TACHYCARDIA, CATECHOLAMINERGIC POLYMORPHIC, 1, WITH OR WITHOUT ATRIAL DYSFUNCTION AND/OR DILATED CARDIOMYOPATHY. Identifiers: Orphanet 3286, MedGen C1631597, MONDO:0011484, OMIM 604772.
Catecholaminergic polymorphic ventricular tachycardia (CVPT). Also called: Catecholamine-induced polymorphic ventricular tachycardia. Identifiers: Orphanet 3286, MedGen C5574922, MONDO:0017990.
Cardiomyopathy (CMYO). Also called: Cardiomyopathies. Identifiers: Orphanet 167848, MedGen C0878544, MONDO:0004994, HP:0001638. Inheritance: Various modes of inheritance.
Cardiovascular phenotype. Identifiers: MedGen CN230736.

Allele frequency attached by ClinVar (database versions not stated): gnomAD 0.00004 and 0.00003; gnomAD exomes 0.00001; ExAC 0.00002; TOPMed 0.00002.
gnomAD v4.1: 22 of 1,613,838 alleles (0.0014%); highest among the groups gnomAD compares: South Asian, 0.0055%; 1 homozygote.

Submissions (5):

Color Diagnostics, LLC DBA Color Health
Classification: Uncertain significance for Cardiomyopathy. Last evaluated: 2025-08-27. Review status: criteria provided, single submitter. Criteria: ACMG Guidelines, 2015. Collection method: clinical testing. Allele origin: germline.
Comment: This missense variant replaces arginine with cysteine at codon 1133 of the RYR2 protein. Computational prediction suggests that this variant may not impact protein structure and function. To our knowledge, functional studies have not been reported for this variant. This variant has not been reported in individuals affected with RYR2-related disorders in the literature. This variant has been identified in 3/249154 chromosomes in the general population by the Genome Aggregation Database (gnomAD). The available evidence is insufficient to determine the role of this variant in disease conclusively. Therefore, this variant is classified as a Variant of Uncertain Significance.

Labcorp Genetics (formerly Invitae), Labcorp
Classification: Likely benign for Catecholaminergic polymorphic ventricular tachycardia 1. Last evaluated: 2025-04-10. Review status: criteria provided, single submitter. Criteria: Invitae Variant Classification Sherloc (09022015). Collection method: clinical testing. Allele origin: germline.

Blueprint Genetics
Classification: Likely benign. Last evaluated: 2023-11-13. Review status: criteria provided, single submitter. Criteria: ACMG Guidelines, 2015. Collection method: clinical testing. Allele origin: germline.

All of Us Research Program, National Institutes of Health
Classification: Uncertain significance for Catecholaminergic polymorphic ventricular tachycardia. Last evaluated: 2023-10-02. Review status: criteria provided, single submitter. Criteria: ACMG Guidelines, 2015. Collection method: clinical testing. Allele origin: germline. Inheritance: Autosomal dominant inheritance. Observed: 4 variant alleles, 4 heterozygotes.
Comment: This missense variant replaces arginine with cysteine at codon 1133 of the RYR2 protein. Computational prediction suggests that this variant may not impact protein structure and function (internally defined REVEL score threshold <= 0.5, PMID: 27666373). To our knowledge, functional studies have not been reported for this variant. This variant has not been reported in individuals affected with cardiovascular disorders in the literature. This variant has been identified in 3/249154 chromosomes in the general population by the Genome Aggregation Database (gnomAD). The available evidence is insufficient to determine the role of this variant in disease conclusively. Therefore, this variant is classified as a Variant of Uncertain Significance.

This study involves interpretation of variants in research participants for the purpose of population health screening. Participant phenotype was not available at the time of variant classification. Additional details can be found in publication PMID: 35346344, PMCID: PMC8962531

Ambry Genetics
Classification: Uncertain significance for Cardiovascular phenotype. Last evaluated: 2019-11-13. Review status: criteria provided, single submitter. Criteria: Ambry Variant Classification Scheme 2023. Collection method: clinical testing. Allele origin: germline.
Comment: The p.R1133C variant (also known as c.3397C>T), located in coding exon 28 of the RYR2 gene, results from a C to T substitution at nucleotide position 3397. The arginine at codon 1133 is replaced by cysteine, an amino acid with highly dissimilar properties. This amino acid position is poorly conserved in available vertebrate species, and cysteine is the reference amino acid in other vertebrate species. In addition, this alteration is predicted to be tolerated by in silico analysis. Since supporting evidence is limited at this time, the clinical significance of this alteration remains unclear.